The following is an entry in ClinVar:

NC_000014.9:g.100835704G>A

Gene: MEG3 (maternally expressed 3; plus strand). Cytogenetic location: 14q32.2.
Variant type: single nucleotide variant.
Genome position: GRCh38 VCF-style: chr14-100835704-G-A. GRCh37 (hg19) VCF-style: chr14-101302041-G-A.
Identifiers: ClinVar variation 2644543 (VCV002644543.24), dbSNP rs192010262, ClinGen allele CA266912495.

ClinVar aggregate classification (germline): Likely benign (1 of 4 stars; one submission).

Allele frequency attached by ClinVar (database versions not stated): gnomAD exomes 0.00011; gnomAD 0.00031; TOPMed 0.00032; 1000 Genomes Project 0.00160; 1000 Genomes Project 30x 0.00187.
gnomAD v4.1: 48 of 171,342 alleles (0.028%); highest among the groups gnomAD compares: East Asian, 0.87%; 2 homozygotes.

Submission:

CeGaT Center for Human Genetics Tuebingen
Classification: Likely benign. Last evaluated: 2023-08-01. Review status: criteria provided, single submitter. Criteria: CeGaT Center For Human Genetics Tuebingen Variant Classification Criteria Version 2. Collection method: clinical testing. Allele origin: germline. Affected: yes. Observed: 1 variant allele.
Comment: MEG3: BS2